The following is an entry in ClinVar:

ClinVar aggregate classification (germline): Uncertain significance (1 of 4 stars; one submission).

gnomAD v4.1: 101 of 1,613,624 alleles (0.0063%); highest among the groups gnomAD compares: Admixed American, 0.0083%; no homozygotes.

Submission:

Labcorp Genetics (formerly Invitae), Labcorp
Classification: Uncertain significance. Last evaluated: 2024-12-23. Review status: criteria provided, single submitter. Criteria: Invitae Variant Classification Sherloc (09022015). Collection method: clinical testing. Allele origin: germline.
Comment: This sequence change replaces proline, which is neutral and non-polar, with leucine, which is neutral and non-polar, at codon 225 of the WNT4 protein (p.Pro225Leu). This variant is present in population databases (rs140262773, gnomAD 0.009%). This variant has not been reported in the literature in individuals affected with WNT4-related conditions. Invitae Evidence Modeling of protein sequence and biophysical properties (such as structural, functional, and spatial information, amino acid conservation, physicochemical variation, residue mobility, and thermodynamic stability) indicates that this missense variant is expected to disrupt WNT4 protein function with a positive predictive value of 80%. In summary, the available evidence is currently insufficient to determine the role of this variant in disease. Therefore, it has been classified as a Variant of Uncertain Significance.

NM_030761.5(WNT4):c.674C>T (p.Pro225Leu)

Gene: WNT4 (Wnt family member 4; minus strand). Cytogenetic location: 1p36.12.
Variant type: single nucleotide variant.
Coding change: c.674C>T on transcript NM_030761.5 (MANE Select); coding-DNA position 674, C replaced by T.
Protein change: p.Pro225Leu; replaces proline 225 with leucine.
Molecular consequence: missense variant.
Genome position (GRCh38, 1-based): chr1:22,120,432, G>A on the plus strand (C>T on the coding strand, the complement: WNT4 is on the minus strand). VCF-style: chr1-22120432-G-A. GRCh37 (hg19) VCF-style: chr1-22446925-G-A.
Other names: short protein forms P225L.
Identifiers: ClinVar variation 3667596 (VCV003667596.2).